The following is an entry in ClinVar:

ClinVar aggregate classification (germline): Uncertain significance (1 of 4 stars; one submission).

Submission:

Labcorp Genetics (formerly Invitae), Labcorp
Classification: Uncertain significance. Last evaluated: 2024-12-12. Review status: criteria provided, single submitter. Criteria: Invitae Variant Classification Sherloc (09022015). Collection method: clinical testing. Allele origin: germline.
Comment: This variant, c.244_264del, results in the deletion of 7 amino acid(s) of the TNFRSF6B protein (p.Trp82_Cys88del), but otherwise preserves the integrity of the reading frame. This variant is not present in population databases (gnomAD no frequency). This variant has not been reported in the literature in individuals affected with TNFRSF6B-related conditions. Experimental studies and prediction algorithms are not available or were not evaluated, and the functional significance of this variant is currently unknown. In summary, the available evidence is currently insufficient to determine the role of this variant in disease. Therefore, it has been classified as a Variant of Uncertain Significance.

NM_003823.4(TNFRSF6B):c.244_264del (p.Trp82_Cys88del)

Genes: RTEL1-TNFRSF6B (RTEL1-TNFRSF6B readthrough (NMD candidate); plus strand), TNFRSF6B (TNF receptor superfamily member 6b; plus strand). Cytogenetic location: 20q13.33.
Variant type: Deletion.
Coding change: c.244_264del on transcript NM_003823.4 (MANE Select); coding-DNA positions 244 to 264, 21 bases deleted (TGGAACTACCTAGAGCGCTGC).
Protein change: p.Trp82_Cys88del.
Molecular consequence: non-coding transcript variant (on NR_037882.1).
Genome position (GRCh38, 1-based): chr20:63,697,011-63,697,031, TGGAACTACCTAGAGCGCTGC deleted; deleting any 21 consecutive bases within chr20:63,697,010-63,697,031 gives the same sequence; the c. name uses the placement nearest the transcript's 3' end. VCF-style (leftmost placement, unchanged base first): chr20-63697009-TCTGGAACTACCTAGAGCGCTG-T. GRCh37 (hg19) VCF-style: chr20-62328362-TCTGGAACTACCTAGAGCGCTG-T.
Identifiers: ClinVar variation 3633312 (VCV003633312.2).